The following is an entry in ClinVar:

ClinVar aggregate classification (germline): Uncertain significance. Review status: criteria provided, multiple submitters, no conflicts (2 of 4 stars). 2 submissions from 2 submitters: Uncertain significance (2). Last evaluated 2025-09-03.

Conditions:
Cowden syndrome 3 (CWS3). Identifiers: Orphanet 201, MedGen CN166604, MONDO:0014045.
Paragangliomas with sensorineural hearing loss. Identifiers: MedGen C1868633.
Carney-Stratakis syndrome. Also called: PARAGANGLIOMA AND GASTROINTESTINAL STROMAL TUMOR. Identifiers: Orphanet 97286, MedGen C1847319, MONDO:0011740, OMIM 606864.
Pheochromocytoma. Also called: MAX-Related Hereditary Paraganglioma-Pheochromocytoma Syndrome. Identifiers: Orphanet 29072, MedGen C0031511, MONDO:0008233, OMIM 171300, HP:0002666.
Hereditary pheochromocytoma and paraganglioma. Also called: Hereditary paragangliomas and pheochromocytomas; Hereditary pheochromocytoma-paraganglioma; Hereditary Paraganglioma-Pheochromocytoma Syndromes. Identifiers: Orphanet 29072, MedGen C4274332, MONDO:0017366.

Submissions (2):

Color Diagnostics, LLC DBA Color Health
Classification: Uncertain significance for Hereditary pheochromocytoma and paraganglioma. Last evaluated: 2025-09-03. Review status: criteria provided, single submitter. Criteria: ACMG Guidelines, 2015. Collection method: clinical testing. Allele origin: germline.
Comment: This variant causes the deletion of 4 basepairs at positions -9 to -6 in intron 1 of the SDHD gene. Splice site prediction tools predict that this variant may have a significant impact on RNA splicing. To our knowledge, RNA studies have not been reported for this variant. This variant has not been reported in individuals affected with SDHD-related disorders in the literature. This variant has not been identified in the general population by the Genome Aggregation Database (gnomAD). The available evidence is insufficient to determine the role of this variant in disease conclusively. Therefore, this variant is classified as a Variant of Uncertain Significance.

Labcorp Genetics (formerly Invitae), Labcorp
Classification: Uncertain significance for Carney-Stratakis syndrome; Paragangliomas with sensorineural hearing loss; Pheochromocytoma; Cowden syndrome 3. Last evaluated: 2018-12-24. Review status: criteria provided, single submitter. Criteria: Invitae Variant Classification Sherloc (09022015). Collection method: clinical testing. Allele origin: germline.
Comment: In summary, the available evidence is currently insufficient to determine the role of this variant in disease. Therefore, it has been classified as a Variant of Uncertain Significance. Algorithms developed to predict the effect of sequence changes on RNA splicing suggest that this variant may disrupt the consensus splice site, but this prediction has not been confirmed by published transcriptional studies. This variant has not been reported in the literature in individuals with SDHD-related conditions. This variant is not present in population databases (ExAC no frequency). This sequence change falls in intron 1 of the SDHD gene. It does not directly change the encoded amino acid sequence of the SDHD protein.

NM_003002.4(SDHD):c.53-9_53-6del

Gene: SDHD (succinate dehydrogenase complex subunit D; plus strand). Cytogenetic location: 11q23.1.
Variant type: Deletion.
Coding change: c.53-9_53-6del on transcript NM_003002.4 (MANE Select); 9 bases into the intron before coding-DNA position 53 through 6 bases into the intron before coding-DNA position 53, 4 bases deleted (TTTC; older notation c.53-9_53-6delTTTC).
Molecular consequence: intron variant.
Genome position (GRCh38, 1-based): chr11:112,087,848-112,087,851, TTTC deleted; deleting any 4 consecutive bases within chr11:112,087,846-112,087,851 gives the same sequence; the c. name uses the placement nearest the transcript's 3' end. VCF-style (leftmost placement, unchanged base first): chr11-112087845-CTCTT-C. GRCh37 (hg19) VCF-style: chr11-111958569-CTCTT-C.
Other names: c.53-9_53-6del (NM_001276506.2, NM_001276503.2); c.52+889_52+892del (NM_001276504.2).
Identifiers: ClinVar variation 656097 (VCV000656097.7), dbSNP rs1592778629, ClinGen allele CA915947743.